The following is an entry in ClinVar:

ClinVar aggregate classification (germline): Pathogenic (1 of 4 stars; one submission).

Conditions:
Androgen resistance syndrome (AIS). Also called: Androgen insensitivity, complete; Androgen insensitivity syndrome; DHTR DEFICIENCY; ANDROGEN RECEPTOR DEFICIENCY; DIHYDROTESTOSTERONE RECEPTOR DEFICIENCY; TESTICULAR FEMINIZATION SYNDROME. Identifiers: Orphanet 754, Orphanet 99429, MedGen C0039585, MONDO:0019154, OMIM 300068. Disease mechanism: loss of function.
Kennedy disease (SMAX1). Also called: Spinal and Bulbar Muscular Atrophy; SPINAL AND BULBAR MUSCULAR ATROPHY, X-LINKED 1; KENNEDY SPINAL AND BULBAR MUSCULAR ATROPHY. Identifiers: Orphanet 481, MedGen C1839259, MONDO:0010735, OMIM 313200.

Submission:

Labcorp Genetics (formerly Invitae), Labcorp
Classification: Pathogenic for Kennedy disease; Androgen resistance syndrome. Last evaluated: 2016-12-13. Review status: criteria provided, single submitter. Criteria: Invitae Variant Classification Sherloc (09022015). Collection method: clinical testing. Allele origin: germline.
Comment: This sequence change inserts 1 nucleotide in exon 1 of the AR mRNA (c.749dupG), causing a frameshift at codon 251. This creates a premature translational stop signal (p.Val251Cysfs*54) and is expected to result in an absent or disrupted protein product. While this particular variant has not been reported in the literature, loss-of-function variants in AR are known to be pathogenic (PMID: 19463997). For these reasons, this variant has been classified as Pathogenic.

NM_000044.6(AR):c.749dup (p.Val251fs)

Gene: AR (androgen receptor; plus strand). Cytogenetic location: Xq12.
Variant type: Duplication.
Coding change: c.749dup on transcript NM_000044.6 (MANE Select); coding-DNA position 749, one base duplicated (G; older notation c.749dupG).
Protein change: p.Val251fs; shifts the reading frame from valine 251.
Molecular consequence: frameshift variant. On other transcripts: 5 prime UTR variant (1).
Genome position (GRCh38, 1-based): chrX:67,545,895, G duplicated; the last of 3 consecutive G bases (chrX:67,545,893-67,545,895); duplicating any one gives the same sequence. VCF-style (leftmost placement, unchanged base first): chrX-67545892-T-TG. GRCh37 (hg19) VCF-style: chrX-66765734-T-TG.
Other names: c.-1035dup (NM_001011645.3); c.749dup, p.Val251fs (NM_001348061.1, NM_001348063.1, NM_001348064.1); short protein forms V251fs.
Identifiers: ClinVar variation 464803 (VCV000464803.1), dbSNP rs1555969684, ClinGen allele CA658659000.